The following is an entry in ClinVar:

NM_001692.4(ATP6V1B1):c.1013G>C (p.Arg338Pro)

Gene: ATP6V1B1 (ATPase H+ transporting V1 subunit B1; plus strand). Cytogenetic location: 2p13.3.
Variant type: single nucleotide variant.
Coding change: c.1013G>C on transcript NM_001692.4 (MANE Select); coding-DNA position 1013, G replaced by C.
Protein change: p.Arg338Pro; replaces arginine 338 with proline.
Molecular consequence: missense variant.
Genome position (GRCh38, 1-based): chr2:70,963,265, G>C. VCF-style: chr2-70963265-G-C. GRCh37 (hg19) VCF-style: chr2-71190395-G-C.
Other names: short protein forms R338P.
Identifiers: ClinVar variation 1710597 (VCV001710597.3), dbSNP rs781939232, ClinGen allele CA1701220.

ClinVar aggregate classification (germline): Uncertain significance (1 of 4 stars; one submission).

gnomAD v4.1: 5 of 1,613,616 alleles (0.00031%); highest among the groups gnomAD compares: Admixed American, 0.0067%; no homozygotes.

Submission:

GeneDx
Classification: Uncertain significance. Last evaluated: 2025-06-06. Review status: criteria provided, single submitter. Criteria: GeneDx Variant Classification Process June 2021. Collection method: clinical testing. Allele origin: germline. Affected: yes.
Comment: Not observed at significant frequency in large population cohorts (gnomAD); In silico analysis supports that this missense variant has a deleterious effect on protein structure/function; Has not been previously published as pathogenic or benign to our knowledge